The following is an entry in ClinVar:

ClinVar aggregate classification (germline): Conflicting classifications of pathogenicity. Review status: criteria provided, conflicting classifications (1 of 4 stars). 6 submissions from 6 submitters: Uncertain significance (1); Likely benign (5). Last evaluated 2025-08-23.

Conditions:
Hypermanganesemia with dystonia, polycythemia, and cirrhosis (HMNDYT1). Also called: Hepatic Cirrhosis, Dystonia, Polycythemia and Hypermanganesemia; Cirrhosis - dystonia - polycythemia - hypermanganesemia syndrome; Hypermanganesemia with Dystonia 1. Identifiers: Orphanet 309854, MedGen C2750442, MONDO:0013208, OMIM 613280.

Allele frequency attached by ClinVar (database versions not stated): TOPMed 0.00014; ESP Exome Variant Server 0.00015; 1000 Genomes Project 30x 0.00016; 1000 Genomes Project 0.00020.
gnomAD v4.1: 330 of 1,613,094 alleles (0.02%); highest among the groups gnomAD compares: Middle Eastern, 0.5%; 1 homozygote.

Submissions (6):

Labcorp Genetics (formerly Invitae), Labcorp
Classification: Likely benign. Last evaluated: 2025-08-23. Review status: criteria provided, single submitter. Criteria: Invitae Variant Classification Sherloc (09022015). Collection method: clinical testing. Allele origin: germline.

Mayo Clinic Laboratories, Mayo Clinic
Classification: Likely benign. Last evaluated: 2024-12-27. Review status: criteria provided, single submitter. Criteria: ACMG Guidelines, 2015. Collection method: clinical testing. Allele origin: germline. Observed: 1 variant allele.
Comment: BP4, BP7

Blueprint Genetics
Classification: Likely benign. Last evaluated: 2024-10-08. Review status: criteria provided, single submitter. Criteria: ACMG Guidelines, 2015. Collection method: clinical testing. Allele origin: germline.

CeGaT Center for Human Genetics Tuebingen
Classification: Likely benign. Last evaluated: 2023-06-01. Review status: criteria provided, single submitter. Criteria: CeGaT Center For Human Genetics Tuebingen Variant Classification Criteria Version 2. Collection method: clinical testing. Allele origin: germline. Affected: yes. Observed: 1 variant allele.
Comment: SLC30A10: BP4, BP7

GeneDx
Classification: Likely benign. Last evaluated: 2020-12-30. Review status: criteria provided, single submitter. Criteria: GeneDx Variant Classification Process June 2021. Collection method: clinical testing. Allele origin: germline. Affected: yes.

Illumina Laboratory Services, Illumina
Classification: Uncertain significance for Hypermanganesemia with dystonia, polycythemia, and cirrhosis. Last evaluated: 2018-01-12. Review status: criteria provided, single submitter. Criteria: ICSL Variant Classification Criteria 13 December 2019. Collection method: clinical testing. Allele origin: germline.

NM_018713.3(SLC30A10):c.1449G>A (p.Thr483=)

Gene: SLC30A10 (solute carrier family 30 member 10; minus strand). Cytogenetic location: 1q41.
Variant type: single nucleotide variant.
Coding change: c.1449G>A on transcript NM_018713.3 (MANE Select); coding-DNA position 1449, G replaced by A.
Protein change: p.Thr483=; no amino-acid change (threonine 483 retained).
Molecular consequence: synonymous variant. On other transcripts: non-coding transcript variant (2).
Genome position (GRCh38, 1-based): chr1:219,915,458, C>T on the plus strand (G>A on the coding strand, the complement: SLC30A10 is on the minus strand). VCF-style: chr1-219915458-C-T. GRCh37 (hg19) VCF-style: chr1-220088800-C-T.
Other names: p.Thr483=; c.1260G>A, p.Thr420= (NM_001376929.1).
Identifiers: ClinVar variation 295582 (VCV000295582.42), dbSNP rs148203711, ClinGen allele CA1399101.